The following is an entry in ClinVar:

NM_001376.5(DYNC1H1):c.7052C>A (p.Ala2351Glu)

Gene: DYNC1H1 (dynein cytoplasmic 1 heavy chain 1; plus strand). Cytogenetic location: 14q32.31.
Variant type: single nucleotide variant.
Coding change: c.7052C>A on transcript NM_001376.5 (MANE Select); coding-DNA position 7052, C replaced by A.
Protein change: p.Ala2351Glu; replaces alanine 2351 with glutamic acid.
Molecular consequence: missense variant.
Genome position (GRCh38, 1-based): chr14:102,015,142, C>A. VCF-style: chr14-102015142-C-A. GRCh37 (hg19) VCF-style: chr14-102481479-C-A.
Other names: short protein forms A2351E.
Identifiers: ClinVar variation 3349885 (VCV003349885.3).
Genomic context (GRCh38, chr14:102,015,142, plus strand): 5'-TCTGCTTAATGTTTTCTTTCAAGGTGAGAATAATGTTTGAGGTACAGGACTTGAAATACG[C>A]GACCTTGGCCACAGTGTCGCGCTGCGGCATGGTCTGGTTCAGTGAGGATGTGCTGAGCAC-3'
Protein context (NP_001367.2, residues 2341-2361): IMFEVQDLKY[Ala2351Glu]TLATVSRCGM

ClinVar aggregate classification (germline): Likely pathogenic. Review status: criteria provided, single submitter (1 of 4 stars). 2 submissions from 2 submitters: Likely pathogenic (1). 1 of the submissions does not count toward it. Last evaluated 2024-05-29.

Conditions:
DYNC1H1-related disorder. Also called: DYNC1H1-related condition; DYNC1H1-related disorders. Identifiers: MedGen CN381529.

Submissions (2):

Clinical Genomics Laboratory, Stanford Medicine
Classification: Likely pathogenic for DYNC1H1-related disorder. Last evaluated: 2024-05-29. Review status: criteria provided, single submitter. Criteria: ACMG Guidelines, 2015. Collection method: clinical testing. Allele origin: maternal. Inheritance: Autosomal dominant inheritance. Affected: yes. Observed: 2 variant alleles, 1 heterozygote, 1 mosaic individual.
Comment: This variant was absent from large population databases, including the Genome Aggregation Database. The DYNC1H1 gene has fewer missense variants in the general population than expected. A low rate of missense variation may suggest that this gene is intolerant to missense variation. This variant is located in an established functional domain of the DYNC1H1 protein known as the motor domain. Other pathogenic/likely pathogenic variants have been described in this domain (Amabile et al., 2020; Becker et al., 2020). The alanine at position 2351 is strongly evolutionarily conserved. Computational tools predict that the p.Ala2351Glu variant is deleterious; however, the accuracy of in silico algorithms is limited. These data were assessed using the ACMG/AMP variant interpretation guidelines. In summary, there is sufficient evidence to classify the p.Ala2351Glu variant as likely pathogenic for autosomal dominant DYNC1H1-related disorders based on the information above. [ACMG evidence codes used: PM2; PM1_Supporting; PP1; PP2; PP3]

PreventionGenetics, part of Exact Sciences
Classification: Likely pathogenic for DYNC1H1-related condition. Last evaluated: 2024-05-31. Review status: no assertion criteria provided. Collection method: clinical testing. Allele origin: germline. Not counted in ClinVar's aggregate classification.
Comment: The DYNC1H1 c.7052C>A variant is predicted to result in the amino acid substitution p.Ala2351Glu. To our knowledge, this variant has not been reported in the literature or in a large population database, indicating this variant is rare. DYNC1H1 is highly intolerant of missense variation (gnomAD v2, z=10.97). This variant has been observed in two affected siblings with DYNC1H1-related cortical dysplasia, having inherited it from an unaffected mother with low-level mosaicism (internal data, PreventionGenetics). Mosaic parental germline variants have previously been associated with DYNC1H1-related disorders (Zillhardt et al. 2016. PubMed ID: 26395554). We interpret this variant as likely pathogenic.

Literature cited by the submitters: PubMed 32656949 (cited by Clinical Genomics Laboratory, Stanford Medicine); PubMed 32788638 (cited by Clinical Genomics Laboratory, Stanford Medicine).